The following is an entry in ClinVar:

NM_002471.4(MYH6):c.644G>T (p.Gly215Val)

Gene: MYH6 (myosin heavy chain 6; minus strand). Cytogenetic location: 14q11.2.
Variant type: single nucleotide variant.
Coding change: c.644G>T on transcript NM_002471.4 (MANE Select); coding-DNA position 644, G replaced by T.
Protein change: p.Gly215Val; replaces glycine 215 with valine.
Molecular consequence: missense variant.
Genome position (GRCh38, 1-based): chr14:23,404,387, C>A on the plus strand (G>T on the coding strand, the complement: MYH6 is on the minus strand). VCF-style: chr14-23404387-C-A. GRCh37 (hg19) VCF-style: chr14-23873596-C-A.
Other names: short protein forms G215V.
Identifiers: ClinVar variation 2911473 (VCV002911473.9), dbSNP rs1323504358, ClinGen allele CA389029222.
Genomic context (GRCh38, chr14:23,404,387, plus strand): 5'-TTGGCATTGCCGAAGGCCTCCAGAGCGGGGTTGGCCTGGATGATCTGGTCCTCCAGGGTG[C>A]CCTATGAAAGGAGCAGAACTGCATGGGTTCATCCTCCATCCACCTCCAGGCAGTGGTGAG-3'
Protein context (NP_002462.2, residues 205-225): GKKDNANANK[Gly215Val]TLEDQIIQAN

ClinVar aggregate classification (germline): Uncertain significance. Review status: criteria provided, multiple submitters, no conflicts (2 of 4 stars). 4 submissions from 4 submitters: Uncertain significance (4). Last evaluated 2026-07-09.

Conditions:
Hypertrophic cardiomyopathy 14. Identifiers: MedGen C2750467, MONDO:0013197, OMIM 613251.
Dilated cardiomyopathy 1EE (CMD1EE). Identifiers: Orphanet 154, MedGen C2750466, MONDO:0013198, OMIM 613252.
Atrial septal defect 3 (ASD3). Identifiers: Orphanet 1478, MedGen C3279790, MONDO:0013567, OMIM 614089.
Sick sinus syndrome 3, susceptibility to (SSS3). Identifiers: Orphanet 166282, MedGen C3279791, MONDO:0013568, OMIM 614090.
Cardiovascular phenotype. Identifiers: MedGen CN230736.
MYH6-related disorder. Also called: MYH6-Related Disorders; MYH6-related condition.

Allele frequency attached by ClinVar (database versions not stated): TOPMed below 0.00001.
gnomAD v4.1: 1 of 1,614,066 alleles (0.000062%); no homozygotes.

Submissions (4):

Ambry Genetics
Classification: Uncertain significance for Cardiovascular phenotype. Last evaluated: 2026-07-09. Review status: criteria provided, single submitter. Criteria: Ambry Variant Classification Scheme 2023. Collection method: clinical testing. Allele origin: germline.
Comment: The p.G215V variant (also known as c.644G>T), located in coding exon 6 of the MYH6 gene, results from a G to T substitution at nucleotide position 644. The glycine at codon 215 is replaced by valine, an amino acid with dissimilar properties. This amino acid position is conserved. In addition, this alteration is predicted to be deleterious by in silico analysis. Based on the available evidence, the clinical significance of this variant remains unclear.

PreventionGenetics, part of Exact Sciences
Classification: Uncertain significance for MYH6-related condition. Last evaluated: 2025-01-02. Review status: criteria provided, single submitter. Criteria: ACMG Guidelines, 2015. Collection method: clinical testing. Allele origin: germline.
Comment: The MYH6 c.644G>T variant is predicted to result in the amino acid substitution p.Gly215Val. To our knowledge, this variant has not been reported in the literature. This variant is reported in 1 of ~31,400 alleles in the gnomAD database. At this time, the clinical significance of this variant is uncertain due to the absence of conclusive functional and genetic evidence.

Fulgent Genetics
Classification: Uncertain significance for Hypertrophic cardiomyopathy 14; Dilated cardiomyopathy 1EE; Atrial septal defect 3; Sick sinus syndrome 3, susceptibility to. Last evaluated: 2024-06-12. Review status: criteria provided, single submitter. Criteria: ACMG Guidelines, 2015. Collection method: clinical testing. Allele origin: germline.

Labcorp Genetics (formerly Invitae), Labcorp
Classification: Uncertain significance for Hypertrophic cardiomyopathy 14. Last evaluated: 2023-07-30. Review status: criteria provided, single submitter. Criteria: Invitae Variant Classification Sherloc (09022015). Collection method: clinical testing. Allele origin: germline.
Comment: This variant is present in population databases (no rsID available, gnomAD no frequency). This sequence change replaces glycine, which is neutral and non-polar, with valine, which is neutral and non-polar, at codon 215 of the MYH6 protein (p.Gly215Val). In summary, the available evidence is currently insufficient to determine the role of this variant in disease. Therefore, it has been classified as a Variant of Uncertain Significance. An algorithm developed to predict the effect of missense changes on protein structure and function (PolyPhen-2) suggests that this variant is likely to be disruptive. This variant has not been reported in the literature in individuals affected with MYH6-related conditions.